The following is an entry in ClinVar:

ClinVar aggregate classification (germline): Likely benign (1 of 4 stars; one submission).

gnomAD v4.1: 16 of 1,614,142 alleles (0.00099%); highest among the groups gnomAD compares: East Asian, 0.0022%; no homozygotes.

Submission:

CeGaT Center for Human Genetics Tuebingen
Classification: Likely benign. Last evaluated: 2022-05-01. Review status: criteria provided, single submitter. Criteria: CeGaT Center For Human Genetics Tuebingen Variant Classification Criteria Version 2. Collection method: clinical testing. Allele origin: germline. Affected: yes. Observed: 1 variant allele.
Comment: MYH1: BP4

NM_005963.4(MYH1):c.2057-7C>A

Genes: MYH1 (myosin heavy chain 1; minus strand), MYHAS (myosin heavy chain gene cluster antisense RNA; plus strand). Cytogenetic location: 17p13.1.
Variant type: single nucleotide variant.
Coding change: c.2057-7C>A on transcript NM_005963.4 (MANE Select); 7 bases into the intron before coding-DNA position 2057, C replaced by A.
Molecular consequence: intron variant.
Genome position (GRCh38, 1-based): chr17:10,505,936, G>T on the plus strand (C>A on the coding strand, the complement: MYH1 is on the minus strand). VCF-style: chr17-10505936-G-T. GRCh37 (hg19) VCF-style: chr17-10409253-G-T.
Identifiers: ClinVar variation 1694829 (VCV001694829.31), dbSNP rs778044884, ClinGen allele CA287775476.